The following is an entry in ClinVar:

NM_012213.3(MLYCD):c.172G>T (p.Glu58Ter)

Gene: MLYCD (malonyl-CoA decarboxylase; plus strand). Cytogenetic location: 16q23.3.
Variant type: single nucleotide variant.
Coding change: c.172G>T on transcript NM_012213.3 (MANE Select); coding-DNA position 172, G replaced by T.
Protein change: p.Glu58Ter; replaces glutamic acid 58 with a stop codon.
Molecular consequence: nonsense.
Genome position (GRCh38, 1-based): chr16:83,899,316, G>T. VCF-style: chr16-83899316-G-T. GRCh37 (hg19) VCF-style: chr16-83932921-G-T.
Other names: short protein forms E58*.
Identifiers: ClinVar variation 4085984 (VCV004085984.8).

ClinVar aggregate classification (germline): Pathogenic (1 of 4 stars; one submission).

gnomAD v4.1: 1 of 1,497,666 alleles (0.000067%); highest among the groups gnomAD compares: Non-Finnish European, 0.000088%; no homozygotes.

Submission:

CeGaT Center for Human Genetics Tuebingen
Classification: Pathogenic. Last evaluated: 2025-08-01. Review status: criteria provided, single submitter. Criteria: CeGaT Center For Human Genetics Tuebingen Variant Classification Criteria Version 2. Collection method: clinical testing. Allele origin: germline. Affected: yes. Observed: 1 variant allele.
Comment: MLYCD: PVS1, PM2